The following is an entry in ClinVar:

ClinVar aggregate classification (germline): Uncertain significance (1 of 4 stars; one submission).

Conditions:
Cardiovascular phenotype. Identifiers: MedGen CN230736.

Allele frequency attached by ClinVar (database versions not stated): TOPMed below 0.00001; gnomAD 0.00001; gnomAD exomes 0.00001; ExAC 0.00002.
gnomAD v4.1: 9 of 1,613,808 alleles (0.00056%); highest among the groups gnomAD compares: Admixed American, 0.0017%; no homozygotes.

Submission:

Ambry Genetics
Classification: Uncertain significance for Cardiovascular phenotype. Last evaluated: 2023-11-29. Review status: criteria provided, single submitter. Criteria: Ambry Variant Classification Scheme 2023. Collection method: clinical testing. Allele origin: germline.
Comment: The p.T263M variant (also known as c.788C>T), located in coding exon 1 of the KCNJ5 gene, results from a C to T substitution at nucleotide position 788. The threonine at codon 263 is replaced by methionine, an amino acid with similar properties. This amino acid position is highly conserved in available vertebrate species. In addition, the in silico prediction for this alteration is inconclusive. Based on data from gnomAD, the frequency for this variant is above the maximum credible frequency for a KCNJ5-related hyperaldosteronism-causing variant in this gene based on internally established thresholds (Karczewski et al. Nature. 2020 May;581(7809):434-443; Whiffin et al. Genet Med. 2017 10;19:1151-1158). Based on the supporting evidence, the association of this alteration with long QT syndrome is unknown; however, the association with hyperaldosteronism is unlikely.

NM_000890.5(KCNJ5):c.788C>T (p.Thr263Met)

Gene: KCNJ5 (potassium inwardly rectifying channel subfamily J member 5; plus strand). Cytogenetic location: 11q24.3.
Variant type: single nucleotide variant.
Coding change: c.788C>T on transcript NM_000890.5 (MANE Select); coding-DNA position 788, C replaced by T.
Protein change: p.Thr263Met; replaces threonine 263 with methionine.
Molecular consequence: missense variant.
Genome position (GRCh38, 1-based): chr11:128,912,061, C>T. VCF-style: chr11-128912061-C-T. GRCh37 (hg19) VCF-style: chr11-128781956-C-T.
Other names: c.788C>T, p.Thr263Met (NM_001354169.2); short protein forms T263M.
Identifiers: ClinVar variation 3232296 (VCV003232296.1), dbSNP rs753852908, ClinGen allele CA6357937.
Genomic context (GRCh38, chr11:128,912,061, plus strand): 5'-AGACCAAAGAGGGGGAGTTCATCCCCCTGAACCAGACAGACATCAACGTGGGCTTTGACA[C>T]GGGCGACGACCGCCTCTTCCTTGTGTCTCCTCTGATCATCTCCCATGAGATCAACCAGAA-3'
Protein context (NP_000881.3, residues 253-273): NQTDINVGFD[Thr263Met]GDDRLFLVSP